The following is an entry in ClinVar:

NM_002156.5(HSPD1):c.730G>A (p.Val244Ile)

Gene: HSPD1 (heat shock protein family D (Hsp60) member 1; minus strand). Cytogenetic location: 2q33.1.
Variant type: single nucleotide variant.
Coding change: c.730G>A on transcript NM_002156.5 (MANE Select); coding-DNA position 730, G replaced by A.
Protein change: p.Val244Ile; replaces valine 244 with isoleucine.
Molecular consequence: missense variant.
Genome position (GRCh38, 1-based): chr2:197,493,463, C>T on the plus strand (G>A on the coding strand, the complement: HSPD1 is on the minus strand). VCF-style: chr2-197493463-C-T. GRCh37 (hg19) VCF-style: chr2-198358187-C-T.
Other names: c.730G>A, p.Val244Ile (NM_199440.2); short protein forms V244I.
Identifiers: ClinVar variation 3898709 (VCV003898709.7).

ClinVar aggregate classification (germline): Uncertain significance (1 of 4 stars; one submission).

Submission:

CeGaT Center for Human Genetics Tuebingen
Classification: Uncertain significance. Last evaluated: 2025-04-01. Review status: criteria provided, single submitter. Criteria: CeGaT Center For Human Genetics Tuebingen Variant Classification Criteria Version 2. Collection method: clinical testing. Allele origin: germline. Affected: yes. Observed: 1 variant allele.
Comment: HSPD1: PM2